The following is an entry in ClinVar:

NM_022437.3(ABCG8):c.1539G>A (p.Met513Ile)

Gene: ABCG8 (ATP binding cassette subfamily G member 8; plus strand). Cytogenetic location: 2p21.
Variant type: single nucleotide variant.
Coding change: c.1539G>A on transcript NM_022437.3 (MANE Select); coding-DNA position 1539, G replaced by A.
Protein change: p.Met513Ile; replaces methionine 513 with isoleucine.
Molecular consequence: missense variant.
Genome position (GRCh38, 1-based): chr2:43,875,196, G>A. VCF-style: chr2-43875196-G-A. GRCh37 (hg19) VCF-style: chr2-44102335-G-A.
Other names: c.1536G>A, p.Met512Ile (NM_001357321.2); c.1539G>A (NM_022437.2); short protein forms M512I, M513I.
Identifiers: ClinVar variation 2804179 (VCV002804179.4), dbSNP rs2466282838, ClinGen allele CA346670304.

ClinVar aggregate classification (germline): Uncertain significance. Review status: criteria provided, multiple submitters, no conflicts (2 of 4 stars). 2 submissions from 2 submitters: Uncertain significance (2). Last evaluated 2025-02-27.

Conditions:
Cardiovascular phenotype. Identifiers: MedGen CN230736.

Allele frequency attached by ClinVar (database versions not stated): gnomAD exomes below 0.00001.
gnomAD v4.1: 3 of 1,614,244 alleles (0.00019%); highest among the groups gnomAD compares: South Asian, 0.0011%; no homozygotes.

Submissions (2):

Ambry Genetics
Classification: Uncertain significance for Cardiovascular phenotype. Last evaluated: 2025-02-27. Review status: criteria provided, single submitter. Criteria: Ambry Variant Classification Scheme 2023. Collection method: clinical testing. Allele origin: germline.
Comment: The p.M513I variant (also known as c.1539G>A), located in coding exon 11 of the ABCG8 gene, results from a G to A substitution at nucleotide position 1539. The methionine at codon 513 is replaced by isoleucine, an amino acid with highly similar properties. This amino acid position is conserved. In addition, this alteration is predicted to be tolerated by in silico analysis. Based on the available evidence, the clinical significance of this variant remains unclear.

Labcorp Genetics (formerly Invitae), Labcorp
Classification: Uncertain significance. Last evaluated: 2023-01-03. Review status: criteria provided, single submitter. Criteria: Invitae Variant Classification Sherloc (09022015). Collection method: clinical testing. Allele origin: germline.
Comment: In summary, the available evidence is currently insufficient to determine the role of this variant in disease. Therefore, it has been classified as a Variant of Uncertain Significance. Advanced modeling of protein sequence and biophysical properties (such as structural, functional, and spatial information, amino acid conservation, physicochemical variation, residue mobility, and thermodynamic stability) performed at Invitae indicates that this missense variant is not expected to disrupt ABCG8 protein function. This variant has not been reported in the literature in individuals affected with ABCG8-related conditions. This variant is not present in population databases (gnomAD no frequency). This sequence change replaces methionine, which is neutral and non-polar, with isoleucine, which is neutral and non-polar, at codon 513 of the ABCG8 protein (p.Met513Ile).